The following is an entry in ClinVar:

ClinVar aggregate classification (germline): Uncertain significance (1 of 4 stars; one submission).

gnomAD v4.1: 1 of 1,614,002 alleles (0.000062%); highest among the groups gnomAD compares: Non-Finnish European, 0.000085%; no homozygotes.

Submission:

Ambry Genetics
Classification: Uncertain significance. Last evaluated: 2024-03-16. Review status: criteria provided, single submitter. Criteria: Ambry Variant Classification Scheme 2023. Collection method: clinical testing. Allele origin: germline.
Comment: The p.L1456P variant (also known as c.4367T>C), located in coding exon 39 of the KIF1B gene, results from a T to C substitution at nucleotide position 4367. The leucine at codon 1456 is replaced by proline, an amino acid with similar properties. This amino acid position is conserved. In addition, this alteration is predicted to be deleterious by in silico analysis. Based on the available evidence, the clinical significance of this alteration remains unclear.

NM_001365951.3(KIF1B):c.4505T>C (p.Leu1502Pro)

Gene: KIF1B (kinesin family member 1B; plus strand). Cytogenetic location: 1p36.22.
Variant type: single nucleotide variant.
Coding change: c.4505T>C on transcript NM_001365951.3 (MANE Select); coding-DNA position 4505, T replaced by C.
Protein change: p.Leu1502Pro; replaces leucine 1502 with proline.
Molecular consequence: missense variant.
Genome position (GRCh38, 1-based): chr1:10,365,238, T>C. VCF-style: chr1-10365238-T-C. GRCh37 (hg19) VCF-style: chr1-10425296-T-C.
Other names: c.4505T>C, p.Leu1502Pro (NM_001365952.1); c.4367T>C, p.Leu1456Pro (NM_015074.3); short protein forms L1456P, L1502P.
Identifiers: ClinVar variation 3288396 (VCV003288396.1).